The following is an entry in ClinVar:

NM_144643.4(SCLT1):c.1813A>G (p.Arg605Gly)

Gene: SCLT1 (sodium channel and clathrin linker 1; minus strand). Cytogenetic location: 4q28.2.
Variant type: single nucleotide variant.
Coding change: c.1813A>G on transcript NM_144643.4 (MANE Select); coding-DNA position 1813, A replaced by G.
Protein change: p.Arg605Gly; replaces arginine 605 with glycine.
Molecular consequence: missense variant.
Genome position (GRCh38, 1-based): chr4:128,936,671, T>C on the plus strand (A>G on the coding strand, the complement: SCLT1 is on the minus strand). VCF-style: chr4-128936671-T-C. GRCh37 (hg19) VCF-style: chr4-129857826-T-C.
Other names: short protein forms R605G.
Identifiers: ClinVar variation 4993638 (VCV004993638.1).

ClinVar aggregate classification (germline): Uncertain significance (1 of 4 stars; one submission).

Conditions:
SCLT1-related disorder. Also called: SCLT1-related condition.

Submission:

PreventionGenetics, part of Exact Sciences
Classification: Uncertain significance for SCLT1-related condition. Last evaluated: 2026-09-23. Review status: criteria provided, single submitter. Criteria: ACMG Guidelines, 2015. Collection method: clinical testing. Allele origin: germline.
Comment: The SCLT1 c.1813A>G variant is predicted to result in the amino acid substitution p.Arg605Gly. To our knowledge, this variant has not been reported in the literature or in a large population database (gnomAD), indicating this variant is rare. At this time, the clinical significance of this variant is uncertain due to the absence of conclusive functional and genetic evidence.